The following is an entry in ClinVar:

NM_000218.3(KCNQ1):c.*19G>A

Genes: KCNQ1 (potassium voltage-gated channel subfamily Q member 1; plus strand), KCNQ1-AS1 (KCNQ1 antisense RNA 1; minus strand). Cytogenetic location: 11p15.4.
Variant type: single nucleotide variant.
Coding change: c.*19G>A on transcript NM_000218.3 (MANE Select); 19 bases downstream of the stop codon, G replaced by A.
Molecular consequence: 3 prime UTR variant.
Genome position (GRCh38, 1-based): chr11:2,848,022, G>A. VCF-style: chr11-2848022-G-A. GRCh37 (hg19) VCF-style: chr11-2869252-G-A.
Other names: c.*19G>A (NM_001406836.1, NM_001406837.1, NM_001406838.1 and 2 more transcripts).
Identifiers: ClinVar variation 2574022 (VCV002574022.3), dbSNP rs1445475972, ClinGen allele CA597114360.

ClinVar aggregate classification (germline): Uncertain significance (1 of 4 stars; one submission).

Conditions:
Long QT syndrome (LQTS). Identifiers: MedGen C0023976, MeSH D008133, MONDO:0002442. Disease mechanism: loss of function. Inheritance: Various modes of inheritance.

Allele frequency attached by ClinVar (database versions not stated): gnomAD exomes below 0.00001.

Submission:

Dept of Medical Biology, Uskudar University
Classification: Uncertain significance for Long QT syndrome. Last evaluated: 2024-01-08. Review status: criteria provided, single submitter. Criteria: Dept of Medical Biology Variant Classification. Collection method: research. Allele origin: paternal. Affected: yes. Observed: 1 variant allele.
Comment: Criteria: PM2, BP7